The following is an entry in ClinVar:

ClinVar aggregate classification (germline): Uncertain significance. Review status: criteria provided, multiple submitters, no conflicts (2 of 4 stars). 4 submissions from 3 submitters: Uncertain significance (4). Last evaluated 2025-03-18.

Conditions:
Familial cutaneous telangiectasia and oropharyngeal predisposition cancer syndrome. Identifiers: Orphanet 313846, MedGen C3281203, MONDO:0013806, OMIM 614564.
Seckel syndrome 1 (SCKL1). Also called: MICROCEPHALIC PRIMORDIAL DWARFISM I. Identifiers: Orphanet 808, MedGen C4551474, MONDO:0008869, OMIM 210600.

Allele frequency attached by ClinVar (database versions not stated): TOPMed 0.00001; gnomAD 0.00004; gnomAD exomes 0.00004 and 0.00005; ExAC 0.00005.

Submissions (4):

Labcorp Genetics (formerly Invitae), Labcorp
Classification: Uncertain significance. Last evaluated: 2025-03-18. Review status: criteria provided, single submitter. Criteria: Invitae Variant Classification Sherloc (09022015). Collection method: clinical testing. Allele origin: germline.
Comment: This sequence change replaces tyrosine, which is neutral and polar, with cysteine, which is neutral and slightly polar, at codon 1497 of the ATR protein (p.Tyr1497Cys). This variant is present in population databases (rs766604943, gnomAD 0.008%). This variant has not been reported in the literature in individuals affected with ATR-related conditions. ClinVar contains an entry for this variant (Variation ID: 903548). An algorithm developed to predict the effect of missense changes on protein structure and function (PolyPhen-2) suggests that this variant is likely to be disruptive. In summary, the available evidence is currently insufficient to determine the role of this variant in disease. Therefore, it has been classified as a Variant of Uncertain Significance.

Genome-Nilou Lab
Classification: Uncertain significance for Seckel syndrome 1. Last evaluated: 2023-02-08. Review status: criteria provided, single submitter. Criteria: ACMG Guidelines, 2015. Collection method: clinical testing. Allele origin: germline.

Genome-Nilou Lab
Classification: Uncertain significance for Familial cutaneous telangiectasia and oropharyngeal predisposition cancer syndrome. Last evaluated: 2023-02-08. Review status: criteria provided, single submitter. Criteria: ACMG Guidelines, 2015. Collection method: clinical testing. Allele origin: germline.

Illumina Laboratory Services, Illumina
Classification: Uncertain significance for Seckel syndrome 1. Last evaluated: 2018-01-12. Review status: criteria provided, single submitter. Criteria: ICSL Variant Classification Criteria 13 December 2019. Collection method: clinical testing. Allele origin: germline.

NM_001184.4(ATR):c.4490A>G (p.Tyr1497Cys)

Gene: ATR (ATR checkpoint kinase; minus strand). Cytogenetic location: 3q23.
Variant type: single nucleotide variant.
Coding change: c.4490A>G on transcript NM_001184.4 (MANE Select); coding-DNA position 4490, A replaced by G.
Protein change: p.Tyr1497Cys; replaces tyrosine 1497 with cysteine.
Molecular consequence: missense variant.
Genome position (GRCh38, 1-based): chr3:142,515,408, T>C on the plus strand (A>G on the coding strand, the complement: ATR is on the minus strand). VCF-style: chr3-142515408-T-C. GRCh37 (hg19) VCF-style: chr3-142234250-T-C.
Other names: c.4298A>G, p.Tyr1433Cys (NM_001354579.2); short protein forms Y1433C, Y1497C.
Identifiers: ClinVar variation 903548 (VCV000903548.10), dbSNP rs766604943, ClinGen allele CA2649840.